The following is an entry in ClinVar:

NM_032977.4(CASP10):c.1202_1208del (p.Cys401fs)

Gene: CASP10 (caspase 10; plus strand). Cytogenetic location: 2q33.1.
Variant type: Deletion.
Coding change: c.1202_1208del on transcript NM_032977.4 (MANE Select); coding-DNA positions 1202 to 1208, 7 bases deleted (GCCAAGG; older notation c.1202_1208delGCCAAGG).
Protein change: p.Cys401fs; shifts the reading frame from cysteine 401.
Molecular consequence: frameshift variant. On other transcripts: 3 prime UTR variant (1).
Genome position (GRCh38, 1-based): chr2:201,209,349-201,209,355, GCCAAGG deleted. VCF-style (leftmost placement, unchanged base first): chr2-201209348-TGCCAAGG-T. GRCh37 (hg19) VCF-style: chr2-202074071-TGCCAAGG-T.
Other names: p.Cys401Leufs*15; c.1202_1208delGCCAAGG (NM_032977.3); c.1001_1007del, p.Cys334fs (NM_001206524.2); c.1073_1079del, p.Cys358fs (NM_001206542.2, NM_001230.5); c.1202_1208del, p.Cys401fs (NM_032974.5); c.*288_*294del (NM_032976.4); short protein forms C334fs, C401fs, C358fs.
Identifiers: ClinVar variation 535760 (VCV000535760.22), dbSNP rs747900630, ClinGen allele CA500013.

ClinVar aggregate classification (germline): Conflicting classifications of pathogenicity. Review status: criteria provided, conflicting classifications (1 of 4 stars). 7 submissions from 7 submitters: Uncertain significance (4); Benign (1); Likely benign (1). 1 of the submissions does not count toward it. Last evaluated 2026-01-18.

Conditions:
CASP10-related disorder. Also called: CASP10-related condition.
Autoimmune lymphoproliferative syndrome type 2A (ALPS2A). Also called: Autoimmune lymphoproliferative syndrome type 2; CASP10-Related Autoimmune Lymphoproliferative Syndrome; AUTOIMMUNE LYMPHOPROLIFERATIVE SYNDROME, TYPE IIA. Identifiers: Orphanet 3261, MedGen C1858968, MONDO:0011383, OMIM 603909.
Gastric cancer. Also called: Stomach cancer; Malignant tumor of stomach. Identifiers: MedGen C0024623, MeSH D013274, MONDO:0001056, OMIM 613659, HP:0012126.
Lymphoma, non-Hodgkin, familial. Identifiers: MedGen C4721532, MONDO:0011508, OMIM 605027.
Autoimmune lymphoproliferative syndrome type 1. Also called: AUTOIMMUNE LYMPHOPROLIFERATIVE SYNDROME, TYPE I, AUTOSOMAL DOMINANT. Identifiers: Orphanet 3261, MedGen C2717884, MONDO:0011158, OMIM 601859.

Allele frequency attached by ClinVar (database versions not stated): gnomAD exomes 0.00031 and 0.00037; gnomAD 0.00030 and 0.00033; ESP Exome Variant Server 0.00032; TOPMed 0.00056; ExAC 0.00029.

Submissions (7):

Labcorp Genetics (formerly Invitae), Labcorp
Classification: Uncertain significance for Autoimmune lymphoproliferative syndrome type 2A. Last evaluated: 2026-01-18. Review status: criteria provided, single submitter. Criteria: Invitae Variant Classification Sherloc (09022015). Collection method: clinical testing. Allele origin: germline.
Comment: This sequence change creates a premature translational stop signal (p.Cys401Leufs*15) in the CASP10 gene. It is expected to result in an absent or disrupted protein product. However, the current clinical and genetic evidence is not sufficient to establish whether loss-of-function variants in CASP10 cause disease. This variant is present in population databases (rs747900630, gnomAD 0.1%), and has an allele count higher than expected for a pathogenic variant. This premature translational stop signal has been observed in individual(s) with primary immunodeficiencies (PMID: 27577878, 27872624, 34329798). ClinVar contains an entry for this variant (Variation ID: 535760). In summary, the available evidence is currently insufficient to determine the role of this variant in disease. Therefore, it has been classified as a Variant of Uncertain Significance.

Dasa
Classification: Uncertain significance for Autoimmune lymphoproliferative syndrome type 2A. Last evaluated: 2026-01-10. Review status: criteria provided, single submitter. Criteria: DASA Assertion Criteria. Collection method: clinical testing. Allele origin: germline.
Comment: NM_032977.4(CASP10):c.1202_1208del (p.Cys401Leufs*15) is a frameshift variant in CASP10 predicted to alter the reading frame and introduce a premature termination codon. This variant has been reported as a risk allele associated with related phenotype (PMID: 34329798; PMID: 27872624; PMID: 27577878; PMID: 38704374). This variant is rare in population databases. The currently available literature and clinical evidence are not sufficient to establish a definitive association between this variant and the reported condition. Therefore, this variant is classified as a variant of uncertain significance.

Blueprint Genetics
Classification: Likely benign. Last evaluated: 2024-11-19. Review status: criteria provided, single submitter. Criteria: ACMG Guidelines, 2015. Collection method: clinical testing. Allele origin: germline.

Mayo Clinic Laboratories, Mayo Clinic
Classification: Uncertain significance. Last evaluated: 2024-09-23. Review status: criteria provided, single submitter. Criteria: ACMG Guidelines, 2015. Collection method: clinical testing. Allele origin: germline. Observed: 1 variant allele.

Department of Pathology and Laboratory Medicine, Sinai Health System
Classification: Uncertain significance for Autoimmune lymphoproliferative syndrome type 2A; Lymphoma, non-Hodgkin, familial; Gastric cancer. Last evaluated: 2022-10-03. Review status: criteria provided, single submitter. Criteria: ACMG Guidelines, 2015. Collection method: research. Allele origin: germline.

Mendelics
Classification: Benign for Autoimmune lymphoproliferative syndrome type 1. Last evaluated: 2019-05-28. Review status: criteria provided, single submitter. Criteria: Mendelics Assertion Criteria 2017. Collection method: clinical testing. Allele origin: unknown.

PreventionGenetics, part of Exact Sciences
Classification: Uncertain significance for CASP10-related condition. Last evaluated: 2023-11-22. Review status: no assertion criteria provided. Collection method: clinical testing. Allele origin: germline. Not counted in ClinVar's aggregate classification.
Comment: The CASP10 c.1202_1208del7 variant is predicted to result in a frameshift and premature protein termination (p.Cys401Leufs*15). This variant has been reported in the heterozygous state in individuals with primary immunodeficiency (Patient 9, Gallo et al. 2016. PubMed ID: 27872624; Repository Table E1, Patient 16.1, Stray-Pedersen et al. 2016. PubMed ID: 27577878; Patient C, Matas Pérez et al. 2021. PubMed ID: 34329798). Of note, in one of those patients, the variant was paternally inherited. This variant is reported in 0.13% of alleles in individuals of Latino descent in gnomAD, including one homozygous individual. While this variant may be benign, at this time, the clinical significance of this variant is uncertain due to the absence of conclusive functional and genetic evidence.

Literature cited by the submitters: PubMed 27577878 (cited by 3 submitters); PubMed 27872624 (cited by 3 submitters); PubMed 34329798 (cited by 3 submitters); PubMed 38704374 (cited by Dasa and Mayo Clinic Laboratories, Mayo Clinic).